The following is an entry in ClinVar:

ClinVar aggregate classification (germline): Uncertain significance (1 of 4 stars; one submission).

gnomAD v4.1: 2 of 1,614,112 alleles (0.00012%); highest among the groups gnomAD compares: Non-Finnish European, 0.00017%; no homozygotes.

Submission:

Labcorp Genetics (formerly Invitae), Labcorp
Classification: Uncertain significance. Last evaluated: 2024-02-11. Review status: criteria provided, single submitter. Criteria: Invitae Variant Classification Sherloc (09022015). Collection method: clinical testing. Allele origin: germline.
Comment: This sequence change replaces histidine, which is basic and polar, with arginine, which is basic and polar, at codon 712 of the NFKB1 protein (p.His712Arg). This variant is not present in population databases (gnomAD no frequency). This variant has not been reported in the literature in individuals affected with NFKB1-related conditions. Advanced modeling of protein sequence and biophysical properties (such as structural, functional, and spatial information, amino acid conservation, physicochemical variation, residue mobility, and thermodynamic stability) performed at Invitae indicates that this missense variant is not expected to disrupt NFKB1 protein function with a negative predictive value of 80%. In summary, the available evidence is currently insufficient to determine the role of this variant in disease. Therefore, it has been classified as a Variant of Uncertain Significance.

NM_003998.4(NFKB1):c.2135A>G (p.His712Arg)

Gene: NFKB1 (nuclear factor kappa B subunit 1; plus strand). Cytogenetic location: 4q24.
Variant type: single nucleotide variant.
Coding change: c.2135A>G on transcript NM_003998.4 (MANE Select); coding-DNA position 2135, A replaced by G.
Protein change: p.His712Arg; replaces histidine 712 with arginine.
Molecular consequence: missense variant.
Genome position (GRCh38, 1-based): chr4:102,607,659, A>G. VCF-style: chr4-102607659-A-G. GRCh37 (hg19) VCF-style: chr4-103528816-A-G.
Other names: c.2132A>G, p.His711Arg (NM_001165412.2, NM_001319226.2, NM_001382627.1); c.2135A>G, p.His712Arg (NM_001382625.1, NM_001382626.1); c.2093A>G, p.His698Arg (NM_001382628.1); short protein forms H711R, H698R, H712R.
Identifiers: ClinVar variation 3673413 (VCV003673413.2).